The following is an entry in ClinVar:

NM_001370466.1(NOD2):c.1898C>G (p.Ala633Gly)

Gene: NOD2 (nucleotide binding oligomerization domain containing 2; plus strand). Cytogenetic location: 16q12.1.
Variant type: single nucleotide variant.
Coding change: c.1898C>G on transcript NM_001370466.1 (MANE Select); coding-DNA position 1898, C replaced by G.
Protein change: p.Ala633Gly; replaces alanine 633 with glycine.
Molecular consequence: missense variant. On other transcripts: non-coding transcript variant (1).
Genome position (GRCh38, 1-based): chr16:50,711,890, C>G. VCF-style: chr16-50711890-C-G. GRCh37 (hg19) VCF-style: chr16-50745801-C-G.
Other names: c.1898C>G, p.Ala633Gly (NM_001293557.2); c.1979C>G, p.Ala660Gly (NM_022162.3); short protein forms A633G, A660G.
Identifiers: ClinVar variation 1095325 (VCV001095325.10), dbSNP rs111400183, ClinGen allele CA8051661.

ClinVar aggregate classification (germline): Conflicting classifications of pathogenicity. Review status: criteria provided, conflicting classifications (1 of 4 stars). 2 submissions from 2 submitters: Uncertain significance (1); Likely benign (1). Last evaluated 2026-01-18.

Conditions:
Regional enteritis. Also called: Enteritis, Granulomatous. Identifiers: MedGen C0678202, MeSH D003424.
Blau syndrome (BLAUS). Also called: JABS SYNDROME; ARTHROCUTANEOUVEAL GRANULOMATOSIS; GRANULOMATOSIS, FAMILIAL JUVENILE SYSTEMIC; GRANULOMATOSIS, FAMILIAL, BLAU TYPE; GRANULOMATOUS INFLAMMATORY ARTHRITIS, DERMATITIS, AND UVEITIS, FAMILIAL. Identifiers: Orphanet 90340, MedGen C5201146, MONDO:0008523, OMIM 186580.

Allele frequency attached by ClinVar (database versions not stated): TOPMed 0.00010; gnomAD 0.00011 and 0.00013; ESP Exome Variant Server 0.00015; gnomAD exomes 0.00018; ExAC 0.00021.
gnomAD v4.1: 304 of 1,608,380 alleles (0.019%); highest among the groups gnomAD compares: Non-Finnish European, 0.02%; no homozygotes.

Submissions (2):

Labcorp Genetics (formerly Invitae), Labcorp
Classification: Likely benign for Regional enteritis; Blau syndrome. Last evaluated: 2026-01-18. Review status: criteria provided, single submitter. Criteria: Invitae Variant Classification Sherloc (09022015). Collection method: clinical testing. Allele origin: germline.

ARUP Laboratories, Molecular Genetics and Genomics, ARUP Laboratories
Classification: Uncertain significance. Last evaluated: 2025-06-26. Review status: criteria provided, single submitter. Criteria: ARUP Molecular Germline Variant Investigation Process 2024. Collection method: clinical testing. Allele origin: germline.
Comment: The NOD2 c.1979C>G; p.Ala660Gly variant (rs111400183), to our knowledge, is not reported in affected individuals in the medical literature but is reported in ClinVar (Variation ID: 1095325). This variant is found in the general population with an allele frequency of 0.017% (49/281082 alleles) in the Genome Aggregation Database (v2.1.1). Computational analyses predict that this variant is neutral (REVEL: 0.053). While the high population frequency suggests that this is likely a benign variant, given the lack of clinical and functional data, the significance of this variant is uncertain at this time.